The following is an entry in ClinVar:

NM_001079802.2(FKTN):c.370-2A>T

Gene: FKTN (fukutin; plus strand). Cytogenetic location: 9q31.2.
Variant type: single nucleotide variant.
Coding change: c.370-2A>T on transcript NM_001079802.2 (MANE Select); the canonical splice acceptor site of the intron before coding-DNA position 370, A replaced by T.
Molecular consequence: splice acceptor variant.
Genome position (GRCh38, 1-based): chr9:105,604,213, A>T. VCF-style: chr9-105604213-A-T. GRCh37 (hg19) VCF-style: chr9-108366494-A-T.
Other names: c.370-2A>T (NM_006731.2, NM_001351496.2, NM_001198963.2 and 1 more transcripts); c.-27-2A>T (NM_001351502.2, NM_001351499.2, NM_001351500.2 and 1 more transcripts); c.301-2A>T (NM_001351497.2).
Identifiers: ClinVar variation 1066066 (VCV001066066.10), dbSNP rs1554752805, ClinGen allele CA374331851.
Genomic context (GRCh38, chr9:105,604,213, plus strand): 5'-TGGCTTTAAATATTCAATGTTTAAGTGTTGTTTCTTGATGTTTGATGCTTCTTTGGTTCT[A>T]GGAAGGCTGGTTTCGGATAGCTGAGAATATGGGATTTCAGTGCCTAAAGATTGAGAGTAA-3'

ClinVar aggregate classification (germline): Likely pathogenic (1 of 4 stars; one submission).

Conditions:
Walker-Warburg congenital muscular dystrophy. Also called: Muscular dystrophy-dystroglycanopathy, type A; Walker-Warburg syndrome. Identifiers: Orphanet 899, MedGen C0265221, MONDO:0000171.

Submission:

Labcorp Genetics (formerly Invitae), Labcorp
Classification: Likely pathogenic for Walker-Warburg congenital muscular dystrophy. Last evaluated: 2020-10-27. Review status: criteria provided, single submitter. Criteria: Invitae Variant Classification Sherloc (09022015). Collection method: clinical testing. Allele origin: germline.
Comment: This variant is not present in population databases (ExAC no frequency). This sequence change affects an acceptor splice site in intron 5 of the FKTN gene. It is expected to disrupt RNA splicing. Variants that disrupt the donor or acceptor splice site typically lead to a loss of protein function (PMID: 16199547), and loss-of-function variants in FKTN are known to be pathogenic (PMID: 17044012, 17878207, 18752264). This variant has not been reported in the literature in individuals with FKTN-related conditions. In summary, the currently available evidence indicates that the variant is pathogenic, but additional data are needed to prove that conclusively. Therefore, this variant has been classified as Likely Pathogenic. Algorithms developed to predict the effect of sequence changes on RNA splicing suggest that this variant may disrupt the consensus splice site, but this prediction has not been confirmed by published transcriptional studies.

Literature cited by the submitters: PubMed 16199547; PubMed 17044012; PubMed 17878207; PubMed 18752264.